The following is an entry in ClinVar:

ClinVar aggregate classification (germline): Uncertain significance. Review status: criteria provided, multiple submitters, no conflicts (2 of 4 stars). 2 submissions from 2 submitters: Uncertain significance (2). Last evaluated 2024-05-23.

Conditions:
Familial adenomatous polyposis 1 (FAP1). Also called: FAMILIAL ADENOMATOUS POLYPOSIS 1, ATTENUATED; POLYPOSIS, ADENOMATOUS INTESTINAL. Identifiers: MedGen C2713442, MONDO:0021056, OMIM 175100. Disease mechanism: loss of function.
Hereditary cancer-predisposing syndrome. Also called: Tumor predisposition; Hereditary neoplastic syndrome; Hereditary Cancer Syndrome; Neoplastic Syndromes, Hereditary. Identifiers: Orphanet 140162, MedGen C0027672, MeSH D009386, MONDO:0015356.

Allele frequency attached by ClinVar (database versions not stated): gnomAD exomes below 0.00001.
gnomAD v4.1: 1 of 1,614,088 alleles (0.000062%); highest among the groups gnomAD compares: Non-Finnish European, 0.000085%; no homozygotes.

Submissions (2):

Labcorp Genetics (formerly Invitae), Labcorp
Classification: Uncertain significance for Familial adenomatous polyposis 1. Last evaluated: 2024-05-23. Review status: criteria provided, single submitter. Criteria: Invitae Variant Classification Sherloc (09022015). Collection method: clinical testing. Allele origin: germline.
Comment: This sequence change replaces proline, which is neutral and non-polar, with alanine, which is neutral and non-polar, at codon 1268 of the APC protein (p.Pro1268Ala). This variant is not present in population databases (gnomAD no frequency). This variant has not been reported in the literature in individuals affected with APC-related conditions. Advanced modeling of protein sequence and biophysical properties (such as structural, functional, and spatial information, amino acid conservation, physicochemical variation, residue mobility, and thermodynamic stability) performed at Invitae indicates that this missense variant is not expected to disrupt APC protein function with a negative predictive value of 95%. In summary, the available evidence is currently insufficient to determine the role of this variant in disease. Therefore, it has been classified as a Variant of Uncertain Significance.

Ambry Genetics
Classification: Uncertain significance for Hereditary cancer-predisposing syndrome. Last evaluated: 2023-01-03. Review status: criteria provided, single submitter. Criteria: Ambry Variant Classification Scheme 2023. Collection method: clinical testing. Allele origin: germline.
Comment: The p.P1268A variant (also known as c.3802C>G), located in coding exon 15 of the APC gene, results from a C to G substitution at nucleotide position 3802. The proline at codon 1268 is replaced by alanine, an amino acid with highly similar properties. This amino acid position is highly conserved in available vertebrate species. In addition, in silico predictors for this gene do not accurately predict pathogenicity. Since supporting evidence is limited at this time, the clinical significance of this alteration remains unclear.

NM_000038.6(APC):c.3802C>G (p.Pro1268Ala)

Gene: APC (APC regulator of Wnt signaling pathway; plus strand). Cytogenetic location: 5q22.2.
Variant type: single nucleotide variant.
Coding change: c.3802C>G on transcript NM_000038.6 (MANE Select); coding-DNA position 3802, C replaced by G.
Protein change: p.Pro1268Ala; replaces proline 1268 with alanine.
Molecular consequence: missense variant. On other transcripts: non-coding transcript variant (2).
Genome position (GRCh38, 1-based): chr5:112,839,396, C>G. VCF-style: chr5-112839396-C-G. GRCh37 (hg19) VCF-style: chr5-112175093-C-G.
Other names: c.3802C>G (NM_000038.5); c.3802C>G, p.Pro1268Ala (NM_001127510.3, NM_001354895.2, NM_001407450.1); c.3748C>G, p.Pro1250Ala (NM_001127511.3); c.3856C>G, p.Pro1286Ala (NM_001354896.2, NM_001407447.1, NM_001407448.1 and 1 more transcripts); c.3832C>G, p.Pro1278Ala (NM_001354897.2); c.3727C>G, p.Pro1243Ala (NM_001354898.2); c.3718C>G, p.Pro1240Ala (NM_001354899.2); c.3679C>G, p.Pro1227Ala (NM_001354900.2); and 12 more; short protein forms P1177A, P1240A, P985A, P1258A, P1261A, P1286A, P1185A, P1209A.
Identifiers: ClinVar variation 2958249 (VCV002958249.4), dbSNP rs2149899307, ClinGen allele CA16029674.